The following is an entry in ClinVar:

NM_018003.4(UACA):c.3669A>G (p.Val1223=)

Gene: UACA (uveal autoantigen with coiled-coil domains and ankyrin repeats; minus strand). Cytogenetic location: 15q23.
Variant type: single nucleotide variant.
Coding change: c.3669A>G on transcript NM_018003.4 (MANE Select); coding-DNA position 3669, A replaced by G.
Protein change: p.Val1223=; no amino-acid change (valine 1223 retained).
Molecular consequence: synonymous variant.
Genome position (GRCh38, 1-based): chr15:70,667,015, T>C on the plus strand (A>G on the coding strand, the complement: UACA is on the minus strand). VCF-style: chr15-70667015-T-C. GRCh37 (hg19) VCF-style: chr15-70959354-T-C.
Other names: c.3630A>G, p.Val1210= (NM_001008224.3).
Identifiers: ClinVar variation 3040009 (VCV003040009.2), dbSNP rs147338503, ClinGen allele CA7636784.

ClinVar aggregate classification (germline): Likely benign (0 of 4 stars; one submission).

Conditions:
UACA-related disorder. Also called: UACA-related condition.

Allele frequency attached by ClinVar (database versions not stated): gnomAD exomes 0.00013; ExAC 0.00056; gnomAD 0.00180; 1000 Genomes Project 0.00200; TOPMed 0.00201; ESP Exome Variant Server 0.00208; 1000 Genomes Project 30x 0.00219.
gnomAD v4.1: 469 of 1,613,470 alleles (0.029%); highest among the groups gnomAD compares: African/African-American, 0.49%; 4 homozygotes.

Submission:

PreventionGenetics, part of Exact Sciences
Classification: Likely benign for UACA-related condition. Last evaluated: 2019-10-28. Review status: no assertion criteria provided. Collection method: clinical testing. Allele origin: germline.
Comment: This variant is classified as likely benign based on ACMG/AMP sequence variant interpretation guidelines (Richards et al. 2015 PMID: 25741868, with internal and published modifications).